The following is an entry in ClinVar:

NM_001379500.1(COL18A1):c.1542C>T (p.Asp514=)

Gene: COL18A1 (collagen type XVIII alpha 1 chain; plus strand). Cytogenetic location: 21q22.3.
Variant type: single nucleotide variant.
Coding change: c.1542C>T on transcript NM_001379500.1 (MANE Select); coding-DNA position 1542, C replaced by T.
Protein change: p.Asp514=; no amino-acid change (aspartic acid 514 retained).
Molecular consequence: synonymous variant.
Genome position (GRCh38, 1-based): chr21:45,480,789, C>T. VCF-style: chr21-45480789-C-T. GRCh37 (hg19) VCF-style: chr21-46900703-C-T.
Other names: NM_130445.2:c.1542C>T; c.2082C>T, p.Asp694= (NM_030582.4); c.2787C>T, p.Asp929= (NM_130444.3); c.2082C>T (NM_030582.3).
Identifiers: ClinVar variation 895134 (VCV000895134.14), dbSNP rs200106008, ClinGen allele CA10066383.

ClinVar aggregate classification (germline): Conflicting classifications of pathogenicity. Review status: criteria provided, conflicting classifications (1 of 4 stars). 4 submissions from 4 submitters: Uncertain significance (1); Benign (1); Likely benign (2). Last evaluated 2026-02-02.

Conditions:
COL18A1-related disorder. Also called: COL18A1-related disorders; COL18A1-related condition.
Knobloch syndrome (KNO). Also called: Myopia retinal detachment encephalocele; RETINAL DETACHMENT AND OCCIPITAL ENCEPHALOCELE. Identifiers: Orphanet 1571, MedGen C1849409, MONDO:0800166.

Allele frequency attached by ClinVar (database versions not stated): ESP Exome Variant Server 0.00008; TOPMed 0.00023; gnomAD exomes 0.00026 and 0.00040; ExAC 0.00030; gnomAD 0.00035 and 0.00037.
gnomAD v4.1: 449 of 1,611,416 alleles (0.028%); highest among the groups gnomAD compares: Non-Finnish European, 0.018%; 3 homozygotes.

Submissions (4):

Labcorp Genetics (formerly Invitae), Labcorp
Classification: Benign. Last evaluated: 2026-02-02. Review status: criteria provided, single submitter. Criteria: Invitae Variant Classification Sherloc (09022015). Collection method: clinical testing. Allele origin: germline.

PreventionGenetics, part of Exact Sciences
Classification: Likely benign for COL18A1-related condition. Last evaluated: 2025-04-14. Review status: criteria provided, single submitter. Criteria: ACMG Guidelines, 2015. Collection method: clinical testing. Allele origin: germline.
Comment: This variant is classified as likely benign based on ACMG/AMP sequence variant interpretation guidelines (Richards et al. 2015 PMID: 25741868, with internal and published modifications).

Blueprint Genetics
Classification: Likely benign. Last evaluated: 2024-11-05. Review status: criteria provided, single submitter. Criteria: ACMG Guidelines, 2015. Collection method: clinical testing. Allele origin: germline.

Illumina Laboratory Services, Illumina
Classification: Uncertain significance for Knobloch syndrome 1. Last evaluated: 2018-01-12. Review status: criteria provided, single submitter. Criteria: ICSL Variant Classification Criteria 13 December 2019. Collection method: clinical testing. Allele origin: germline.